The following is an entry in ClinVar:

ClinVar aggregate classification (germline): Uncertain significance. Review status: criteria provided, multiple submitters, no conflicts (2 of 4 stars). 2 submissions from 2 submitters: Uncertain significance (2). Last evaluated 2023-01-05.

Conditions:
Mandibulofacial dysostosis-microcephaly syndrome (MFDGA). Also called: Growth and mental retardation, mandibulofacial dysostosis, microcephaly, and cleft palate; Mandibulofacial dysostosis, Guion-Almeida type. Identifiers: Orphanet 79113, MedGen C1864652, MONDO:0012516, OMIM 610536.

Allele frequency attached by ClinVar (database versions not stated): gnomAD exomes below 0.00001; TOPMed below 0.00001; gnomAD 0.00001.
gnomAD v4.1: 3 of 1,613,424 alleles (0.00019%); highest among the groups gnomAD compares: Non-Finnish European, 0.00025%; no homozygotes.

Submissions (2):

Revvity Omics, Revvity
Classification: Uncertain significance for Mandibulofacial dysostosis-microcephaly syndrome. Last evaluated: 2023-01-05. Review status: criteria provided, single submitter. Criteria: ACMG Guidelines, 2015. Collection method: clinical testing. Allele origin: germline.

GeneDx
Classification: Uncertain significance. Last evaluated: 2021-01-08. Review status: criteria provided, single submitter. Criteria: GeneDx Variant Classification Process June 2021. Collection method: clinical testing. Allele origin: germline. Affected: yes.
Comment: Not observed in large population cohorts (Lek et al., 2016); In silico analysis supports that this missense variant has a deleterious effect on protein structure/function; Has not been previously published as pathogenic or benign to our knowledge

NM_004247.4(EFTUD2):c.1933C>T (p.Arg645Trp)

Gene: EFTUD2 (elongation factor Tu GTP binding domain containing 2; minus strand). Cytogenetic location: 17q21.31.
Variant type: single nucleotide variant.
Coding change: c.1933C>T on transcript NM_004247.4 (MANE Select); coding-DNA position 1933, C replaced by T.
Protein change: p.Arg645Trp; replaces arginine 645 with tryptophan.
Molecular consequence: missense variant.
Genome position (GRCh38, 1-based): chr17:44,859,109, G>A on the plus strand (C>T on the coding strand, the complement: EFTUD2 is on the minus strand). VCF-style: chr17-44859109-G-A. GRCh37 (hg19) VCF-style: chr17-42936477-G-A.
Other names: c.1828C>T, p.Arg610Trp (NM_001142605.2); c.1933C>T, p.Arg645Trp (NM_001258353.2); c.1903C>T, p.Arg635Trp (NM_001258354.2); short protein forms R610W, R635W, R645W.
Identifiers: ClinVar variation 1254047 (VCV001254047.5), dbSNP rs1230495188, ClinGen allele CA399810707.